The following is an entry in ClinVar:

ClinVar aggregate classification (germline): Pathogenic (1 of 4 stars; one submission).

Conditions:
Retinitis pigmentosa 12 (RP12). Also called: RP WITH OR WITHOUT PPRPE; RP WITH OR WITHOUT PRESERVED PARAARTERIOLE RETINAL PIGMENT EPITHELIUM; RETINITIS PIGMENTOSA WITH OR WITHOUT PARAARTERIOLAR PRESERVATION OF RETINAL PIGMENT EPITHELIUM. Identifiers: Orphanet 791, MedGen C1838647, MONDO:0010818, OMIM 600105.
Leber congenital amaurosis 8 (LCA8). Identifiers: Orphanet 65, MedGen C3151202, MONDO:0013453, OMIM 613835.

Submission:

Labcorp Genetics (formerly Invitae), Labcorp
Classification: Pathogenic for Leber congenital amaurosis 8; Retinitis pigmentosa 12. Last evaluated: 2020-12-14. Review status: criteria provided, single submitter. Criteria: Invitae Variant Classification Sherloc (09022015). Collection method: clinical testing. Allele origin: germline.
Comment: For these reasons, this variant has been classified as Pathogenic. This variant disrupts the C-terminus of the CRB1 protein. Other variant(s) that disrupt this region (p.Arg1390*) have been determined to be pathogenic (PMID: 23379534, 29068479, Invitae). This suggests that variants that disrupt this region of the protein are likely to be causative of disease. This variant has not been reported in the literature in individuals with CRB1-related conditions. This variant is a gross deletion of the genomic region encompassing exon(s) 12 of the CRB1 gene. The 5' boundary is likely confined to intron 11. The 3' end of this event is unknown as it extends through the termination codon beyond the assayed region for this gene and may encompass additional genes. While this deletion is not anticipated to lead to nonsense mediated decay, it is expected to alter mRNA translation or result in a truncated protein product.

Literature cited by the submitters: PubMed 23379534; PubMed 29068479.

NC_000001.10:g.(?_197446784)_(197447595_?)del

Gene: CRB1 (crumbs cell polarity complex component 1; plus strand). Cytogenetic location: 1q31.3.
Variant type: Deletion.
Identifiers: ClinVar variation 1452123 (VCV001452123.6).